The following is an entry in ClinVar:

ClinVar aggregate classification (germline): Conflicting classifications of pathogenicity. Review status: criteria provided, conflicting classifications (1 of 4 stars). 4 submissions from 4 submitters: Uncertain significance (2); Benign (2). Last evaluated 2025-07-20.

Conditions:
Hereditary cancer-predisposing syndrome. Also called: Tumor predisposition; Neoplastic Syndromes, Hereditary; Hereditary Cancer Syndrome; Hereditary neoplastic syndrome. Identifiers: Orphanet 140162, MedGen C0027672, MeSH D009386, MONDO:0015356.
Multiple endocrine neoplasia, type 1 (MEN1). Also called: MEN I; WERMER SYNDROME; Endocrine adenomatosis multiple; MEN 1; MEA I. Identifiers: Orphanet 652, MedGen C0025267, MeSH D018761, MONDO:0007540, OMIM 131100.

Allele frequency attached by ClinVar (database versions not stated): gnomAD 0.00001; gnomAD exomes 0.00001 and 0.00002; TOPMed 0.00001; ExAC 0.00002.
gnomAD v4.1: 10 of 1,596,488 alleles (0.00063%); highest among the groups gnomAD compares: African/African-American, 0.008%; no homozygotes.

Submissions (4):

Labcorp Genetics (formerly Invitae), Labcorp
Classification: Benign for Multiple endocrine neoplasia, type 1. Last evaluated: 2025-07-20. Review status: criteria provided, single submitter. Criteria: Invitae Variant Classification Sherloc (09022015). Collection method: clinical testing. Allele origin: germline.

Baylor Genetics
Classification: Uncertain significance for Multiple Endocrine Neoplasia Type 1. Last evaluated: 2024-03-19. Review status: criteria provided, single submitter. Criteria: ACMG Guidelines, 2015. Collection method: clinical testing. Allele origin: unknown.

Ambry Genetics
Classification: Benign for Hereditary cancer-predisposing syndrome. Last evaluated: 2023-12-27. Review status: criteria provided, single submitter. Criteria: Ambry Variant Classification Scheme 2023. Collection method: clinical testing. Allele origin: germline.

All of Us Research Program, National Institutes of Health
Classification: Uncertain significance for Multiple endocrine neoplasia, type 1. Last evaluated: 2023-06-26. Review status: criteria provided, single submitter. Criteria: ACMG Guidelines, 2015. Collection method: clinical testing. Allele origin: germline. Inheritance: Autosomal dominant inheritance. Observed: 1 variant allele, 1 heterozygote.
Comment: This missense variant replaces alanine with threonine at codon 467 of the MEN1 protein. Computational prediction suggests that this variant may not impact protein structure and function (internally defined REVEL score threshold <= 0.5, PMID: 27666373). To our knowledge, functional studies have not been reported for this variant. This variant has not been reported in individuals affected with MEN1-related disorders in the literature. This variant has been identified in 5/255980 chromosomes in the general population by the Genome Aggregation Database (gnomAD). The available evidence is insufficient to determine the role of this variant in disease conclusively. Therefore, this variant is classified as a Variant of Uncertain Significance.

This study involves interpretation of variants in research participants for the purpose of population health screening. Participant phenotype was not available at the time of variant classification. Additional details can be found in publication PMID: 35346344, PMCID: PMC8962531

NM_001370259.2(MEN1):c.1399G>A (p.Ala467Thr)

Gene: MEN1 (menin 1; minus strand). Cytogenetic location: 11q13.1.
Variant type: single nucleotide variant.
Coding change: c.1399G>A on transcript NM_001370259.2 (MANE Select); coding-DNA position 1399, G replaced by A.
Protein change: p.Ala467Thr; replaces alanine 467 with threonine.
Molecular consequence: missense variant.
Genome position (GRCh38, 1-based): chr11:64,804,768, C>T on the plus strand (G>A on the coding strand, the complement: MEN1 is on the minus strand). VCF-style: chr11-64804768-C-T. GRCh37 (hg19) VCF-style: chr11-64572240-C-T.
Other names: c.1414G>A, p.Ala472Thr (NM_000244.4, NM_130800.3, NM_130801.3 and 3 more transcripts); c.1525G>A, p.Ala509Thr (NM_001370251.2); c.1399G>A, p.Ala467Thr (NM_001370260.2, NM_001370261.2, NM_130799.3); c.1294G>A, p.Ala432Thr (NM_001370262.2, NM_001370263.2); short protein forms A472T, A467T, A509T, A432T.
Identifiers: ClinVar variation 403798 (VCV000403798.16), dbSNP rs779589005, ClinGen allele CA060627.